The following is an entry in ClinVar:

ClinVar aggregate classification (germline): Uncertain significance. Review status: criteria provided, multiple submitters, no conflicts (2 of 4 stars). 2 submissions from 2 submitters: Uncertain significance (2). Last evaluated 2025-03-22.

Conditions:
Desbuquois dysplasia 1 (DBQD1). Also called: DESBUQUOIS DYSPLASIA 1, KIM VARIANT; MICROMELIC DWARFISM WITH VERTEBRAL AND METAPHYSEAL ABNORMALITIES AND ADVANCED CARPOTARSAL OSSIFICATION. Identifiers: Orphanet 1425, MedGen C4012146, MONDO:0009629, OMIM 251450.

Allele frequency attached by ClinVar (database versions not stated): gnomAD 0.00001; ExAC 0.00002; gnomAD exomes 0.00002; TOPMed 0.00002; 1000 Genomes Project 0.00020; 1000 Genomes Project 30x 0.00031.
gnomAD v4.1: 25 of 1,613,994 alleles (0.0015%); highest among the groups gnomAD compares: Middle Eastern, 0.017%; no homozygotes.

Submissions (2):

Labcorp Genetics (formerly Invitae), Labcorp
Classification: Uncertain significance for Desbuquois dysplasia 1. Last evaluated: 2025-03-22. Review status: criteria provided, single submitter. Criteria: Invitae Variant Classification Sherloc (09022015). Collection method: clinical testing. Allele origin: germline.
Comment: This sequence change replaces aspartic acid, which is acidic and polar, with asparagine, which is neutral and polar, at codon 543 of the XYLT1 protein (p.Asp543Asn). This variant is present in population databases (rs551025574, gnomAD 0.007%). This variant has not been reported in the literature in individuals affected with XYLT1-related conditions. ClinVar contains an entry for this variant (Variation ID: 1415868). Invitae Evidence Modeling of protein sequence and biophysical properties (such as structural, functional, and spatial information, amino acid conservation, physicochemical variation, residue mobility, and thermodynamic stability) indicates that this missense variant is not expected to disrupt XYLT1 protein function with a negative predictive value of 80%. In summary, the available evidence is currently insufficient to determine the role of this variant in disease. Therefore, it has been classified as a Variant of Uncertain Significance.

GeneDx
Classification: Uncertain significance. Last evaluated: 2024-09-26. Review status: criteria provided, single submitter. Criteria: GeneDx Variant Classification Process June 2021. Collection method: clinical testing. Allele origin: germline. Affected: yes.
Comment: Not observed at significant frequency in large population cohorts (gnomAD); In silico analysis supports that this missense variant has a deleterious effect on protein structure/function; Has not been previously published as pathogenic or benign to our knowledge

NM_022166.4(XYLT1):c.1627G>A (p.Asp543Asn)

Genes: XYLT1 (xylosyltransferase 1; minus strand), LOC102723692 (uncharacterized LOC102723692; plus strand). Cytogenetic location: 16p12.3.
Variant type: single nucleotide variant.
Coding change: c.1627G>A on transcript NM_022166.4 (MANE Select); coding-DNA position 1627, G replaced by A.
Protein change: p.Asp543Asn; replaces aspartic acid 543 with asparagine.
Molecular consequence: missense variant. On other transcripts: non-coding transcript variant (1).
Genome position (GRCh38, 1-based): chr16:17,138,492, C>T on the plus strand (G>A on the coding strand, the complement: XYLT1 is on the minus strand). VCF-style: chr16-17138492-C-T. GRCh37 (hg19) VCF-style: chr16-17232349-C-T.
Other names: c.1627G>A (NM_022166.3); short protein forms D543N.
Identifiers: ClinVar variation 1415868 (VCV001415868.8), dbSNP rs551025574, ClinGen allele CA7927833.